The following is an entry in ClinVar:

NM_014712.3(SETD1A):c.1041_1049del (p.Ser355_Ser357del)

Gene: SETD1A (SET domain containing 1A, histone lysine methyltransferase; plus strand). Cytogenetic location: 16p11.2.
Variant type: Deletion.
Coding change: c.1041_1049del on transcript NM_014712.3 (MANE Select); coding-DNA positions 1041 to 1049, 9 bases deleted (CTCCTCGTC; older notation c.1041_1049delCTCCTCGTC).
Protein change: p.Ser355_Ser357del.
Molecular consequence: inframe deletion.
Genome position (GRCh38, 1-based): chr16:30,964,783-30,964,791, CTCCTCGTC deleted; deleting any 9 consecutive bases within chr16:30,964,775-30,964,791 gives the same sequence; the c. name uses the placement nearest the transcript's 3' end. VCF-style (leftmost placement, unchanged base first): chr16-30964774-GTCCTCGTCC-G. GRCh37 (hg19) VCF-style: chr16-30976095-GTCCTCGTCC-G.
Identifiers: ClinVar variation 3368358 (VCV003368358.1).

ClinVar aggregate classification (germline): Uncertain significance (1 of 4 stars; one submission).

Submission:

GeneDx
Classification: Uncertain significance. Last evaluated: 2024-01-29. Review status: criteria provided, single submitter. Criteria: GeneDx Variant Classification Process June 2021. Collection method: clinical testing. Allele origin: germline. Affected: yes.
Comment: In-frame deletion of 3 amino acids in a repetitive region with no known function; Has not been previously published as pathogenic or benign to our knowledge